The following is an entry in ClinVar:

ClinVar aggregate classification (germline): Conflicting classifications of pathogenicity. Review status: criteria provided, conflicting classifications (1 of 4 stars). 4 submissions from 4 submitters: Uncertain significance (2); Likely benign (2). Last evaluated 2026-09-01.

Conditions:
Aortic aneurysm, familial thoracic 12. Identifiers: MedGen C5676959, MONDO:0030731, OMIM 619825.
Familial thoracic aortic aneurysm and aortic dissection (TAAD). Also called: Thoracic aortic aneurysms and dissections. Identifiers: Orphanet 91387, MedGen C4707243, MONDO:0019625.

Allele frequency attached by ClinVar (database versions not stated): 1000 Genomes Project 30x 0.00016; 1000 Genomes Project 0.00020; gnomAD exomes 0.00041; ESP Exome Variant Server 0.00048; gnomAD 0.00048; TOPMed 0.00059; ExAC 0.00065.
gnomAD v4.1: 699 of 1,602,264 alleles (0.044%); highest among the groups gnomAD compares: Middle Eastern, 0.99%; 1 homozygote.

Submissions (4):

CeGaT Center for Human Genetics Tuebingen
Classification: Likely benign. Last evaluated: 2026-09-01. Review status: criteria provided, single submitter. Criteria: CeGaT Center For Human Genetics Tuebingen Variant Classification Criteria Version 2. Collection method: clinical testing. Allele origin: germline. Affected: yes. Observed: 2 variant alleles.
Comment: THSD4: BS1

Ambry Genetics
Classification: Uncertain significance. Last evaluated: 2023-12-09. Review status: criteria provided, single submitter. Criteria: Ambry Variant Classification Scheme 2023. Collection method: clinical testing. Allele origin: germline.

Department of Pathology and Laboratory Medicine, Sinai Health System
Classification: Uncertain significance for Aortic aneurysm, familial thoracic 12. Last evaluated: 2023-01-23. Review status: criteria provided, single submitter. Criteria: ACMG Guidelines, 2015. Collection method: research. Allele origin: germline.

CHEO Genetics Diagnostic Laboratory, Children's Hospital of Eastern Ontario
Classification: Likely benign for Familial thoracic aortic aneurysm and aortic dissection. Last evaluated: 2022-11-24. Review status: criteria provided, single submitter. Criteria: ACMG Guidelines, 2015. Collection method: clinical testing. Allele origin: germline.

NM_024817.3(THSD4):c.2240C>T (p.Ser747Leu)

Gene: THSD4 (thrombospondin type 1 domain containing 4; plus strand). Cytogenetic location: 15q23.
Variant type: single nucleotide variant.
Coding change: c.2240C>T on transcript NM_024817.3 (MANE Select); coding-DNA position 2240, C replaced by T.
Protein change: p.Ser747Leu; replaces serine 747 with leucine.
Molecular consequence: missense variant.
Genome position (GRCh38, 1-based): chr15:71,747,041, C>T. VCF-style: chr15-71747041-C-T. GRCh37 (hg19) VCF-style: chr15-72039380-C-T.
Other names: c.1160C>T, p.Ser387Leu (NM_001286429.2); c.2240C>T, p.Ser747Leu (NM_001394532.1); short protein forms S387L, S747L.
Identifiers: ClinVar variation 2385427 (VCV002385427.5), dbSNP rs146042172, ClinGen allele CA7639821.